The following is an entry in ClinVar:

NM_018230.3(NUP133):c.3359C>T (p.Pro1120Leu)

Gene: NUP133 (nucleoporin 133; minus strand). Cytogenetic location: 1q42.13.
Variant type: single nucleotide variant.
Coding change: c.3359C>T on transcript NM_018230.3 (MANE Select); coding-DNA position 3359, C replaced by T.
Protein change: p.Pro1120Leu; replaces proline 1120 with leucine.
Molecular consequence: missense variant.
Genome position (GRCh38, 1-based): chr1:229,442,016, G>A on the plus strand (C>T on the coding strand, the complement: NUP133 is on the minus strand). VCF-style: chr1-229442016-G-A. GRCh37 (hg19) VCF-style: chr1-229577763-G-A.
Other names: c.3359C>T (NM_018230.2); short protein forms P1120L.
Identifiers: ClinVar variation 1414917 (VCV001414917.10), dbSNP rs763031414, ClinGen allele CA1443012.
Genomic context (GRCh38, chr1:229,442,016, plus strand): 5'-AAGTAAGGATTGGACTTTAAGCTTCCAAGCTGATCCGCTTGTAGCAGGTCTTTCACCTCC[G>A]GTAAGTACTCACTGAGCTGAATGCCTATAAACACAAACACAAGAAGTCATTTTTCAATTA-3'
Protein context (NP_060700.2, residues 1110-1130): KDGIQLSEYL[Pro1120Leu]EVKDLLQADQ

ClinVar aggregate classification (germline): Uncertain significance. Review status: criteria provided, multiple submitters, no conflicts (2 of 4 stars). 3 submissions from 3 submitters: Uncertain significance (3). Last evaluated 2024-10-17.

Conditions:
Nephrotic syndrome, type 18. Identifiers: MedGen C4748549, MONDO:0032581, OMIM 618177.

Allele frequency attached by ClinVar (database versions not stated): gnomAD 0.00001; gnomAD exomes 0.00001; ExAC 0.00002; TOPMed 0.00002.
gnomAD v4.1: 16 of 1,574,638 alleles (0.001%); highest among the groups gnomAD compares: African/African-American, 0.0014%; no homozygotes.

Submissions (3):

Labcorp Genetics (formerly Invitae), Labcorp
Classification: Uncertain significance. Last evaluated: 2024-10-17. Review status: criteria provided, single submitter. Criteria: Invitae Variant Classification Sherloc (09022015). Collection method: clinical testing. Allele origin: germline.
Comment: This sequence change replaces proline, which is neutral and non-polar, with leucine, which is neutral and non-polar, at codon 1120 of the NUP133 protein (p.Pro1120Leu). This variant is present in population databases (rs763031414, gnomAD 0.01%). This variant has not been reported in the literature in individuals affected with NUP133-related conditions. ClinVar contains an entry for this variant (Variation ID: 1414917). An algorithm developed to predict the effect of missense changes on protein structure and function (PolyPhen-2) suggests that this variant is likely to be disruptive. In summary, the available evidence is currently insufficient to determine the role of this variant in disease. Therefore, it has been classified as a Variant of Uncertain Significance.

Ambry Genetics
Classification: Uncertain significance. Last evaluated: 2024-06-05. Review status: criteria provided, single submitter. Criteria: Ambry Variant Classification Scheme 2023. Collection method: clinical testing. Allele origin: germline.

3billion
Classification: Uncertain significance for Nephrotic syndrome, type 18. Last evaluated: 2022-09-01. Review status: criteria provided, single submitter. Criteria: ACMG Guidelines, 2015. Collection method: clinical testing. Allele origin: germline. Affected: yes. Observed: 1 heterozygote.
Comment: The variant is observed at an extremely low frequency in the gnomAD v2.1.1 dataset (total allele frequency: 0.001%). In silico tool predictions suggest damaging effect of the variant on gene or gene product (3Cnet: 0.97). However, the evidence of pathogenicity is insufficient at this time. Therefore, this variant is classified as uncertain significance according to the recommendation of ACMG/AMP guideline.